The following is an entry in ClinVar:

ClinVar aggregate classification (germline): Uncertain significance. Review status: criteria provided, multiple submitters, no conflicts (2 of 4 stars). 3 submissions from 3 submitters: Uncertain significance (3). Last evaluated 2025-12-08.

Conditions:
Hereditary breast ovarian cancer syndrome. Also called: Hereditary breast and ovarian cancer syndrome (HBOC); Breast and ovarian cancer; Hereditary breast and/or ovarian cancer syndrome; BRCA1- and BRCA2-Associated Hereditary Breast and Ovarian Cancer; Hereditary breast and ovarian cancer syndrome; Hereditary breast and ovarian cancer. Identifiers: Orphanet 145, MedGen C0677776, MeSH D061325, MONDO:0003582. Disease mechanism: loss of function.
Hereditary cancer-predisposing syndrome. Also called: Neoplastic Syndromes, Hereditary; Tumor predisposition; Hereditary neoplastic syndrome; Hereditary Cancer Syndrome. Identifiers: Orphanet 140162, MedGen C0027672, MeSH D009386, MONDO:0015356.

Submissions (3):

Color Diagnostics, LLC DBA Color Health
Classification: Uncertain significance for Hereditary cancer-predisposing syndrome. Last evaluated: 2025-12-08. Review status: criteria provided, single submitter. Criteria: ACMG Guidelines, 2015. Collection method: clinical testing. Allele origin: germline.
Comment: This missense variant replaces proline with serine at codon 811 of the BRCA1 protein. Computational prediction suggests that this variant may not impact protein structure and function. To our knowledge, functional studies have not been reported for this variant. This variant has not been reported in individuals affected with BRCA1-related disorders in the literature. This variant has not been identified in the general population by the Genome Aggregation Database (gnomAD). The available evidence is insufficient to determine the role of this variant in disease conclusively. Therefore, this variant is classified as a Variant of Uncertain Significance.

Labcorp Genetics (formerly Invitae), Labcorp
Classification: Uncertain significance for Hereditary breast ovarian cancer syndrome. Last evaluated: 2025-10-13. Review status: criteria provided, single submitter. Criteria: Invitae Variant Classification Sherloc (09022015). Collection method: clinical testing. Allele origin: germline.
Comment: This sequence change replaces proline, which is neutral and non-polar, with serine, which is neutral and polar, at codon 811 of the BRCA1 protein (p.Pro811Ser). This variant is not present in population databases (gnomAD no frequency). This missense change has been observed in individual(s) with breast and/or ovarian cancer (PMID: 34026625). ClinVar contains an entry for this variant (Variation ID: 3226115). Invitae Evidence Modeling of protein sequence and biophysical properties (such as structural, functional, and spatial information, amino acid conservation, physicochemical variation, residue mobility, and thermodynamic stability) indicates that this missense variant is not expected to disrupt BRCA1 protein function with a negative predictive value of 80%. In summary, the available evidence is currently insufficient to determine the role of this variant in disease. Therefore, it has been classified as a Variant of Uncertain Significance.

Ambry Genetics
Classification: Uncertain significance for Hereditary cancer-predisposing syndrome. Last evaluated: 2023-09-16. Review status: criteria provided, single submitter. Criteria: Ambry Variant Classification Scheme 2023. Collection method: clinical testing. Allele origin: germline.
Comment: The p.P811S variant (also known as c.2431C>T), located in coding exon 9 of the BRCA1 gene, results from a C to T substitution at nucleotide position 2431. The proline at codon 811 is replaced by serine, an amino acid with similar properties. This amino acid position is well conserved in available vertebrate species. In addition, the in silico prediction for this alteration is inconclusive. Since supporting evidence is limited at this time, the clinical significance of this alteration remains unclear.

Literature cited by the submitters: PubMed 34026625 (cited by Labcorp Genetics (formerly Invitae), Labcorp).

NM_007294.4(BRCA1):c.2431C>T (p.Pro811Ser)

Gene: BRCA1 (BRCA1 DNA repair associated; minus strand). Cytogenetic location: 17q21.31.
Variant type: single nucleotide variant.
Coding change: c.2431C>T on transcript NM_007294.4 (MANE Select); coding-DNA position 2431, C replaced by T.
Protein change: p.Pro811Ser; replaces proline 811 with serine.
Molecular consequence: missense variant. On other transcripts: intron variant (137).
Genome position (GRCh38, 1-based): chr17:43,093,100, G>A on the plus strand (C>T on the coding strand, the complement: BRCA1 is on the minus strand). VCF-style: chr17-43093100-G-A. GRCh37 (hg19) VCF-style: chr17-41245117-G-A.
Other names: c.2287C>T, p.Pro763Ser (NM_001407849.1, NM_001407740.1, NM_001407741.1 and 20 more transcripts); c.2290C>T, p.Pro764Ser (NM_001407852.1, NM_001407850.1, NM_001407851.1 and 29 more transcripts); c.2218C>T, p.Pro740Ser (NM_001407853.1, NM_001407571.1, NM_001407894.1 and 9 more transcripts); c.2431C>T, p.Pro811Ser (NM_001407854.1, NM_001407581.1, NM_001407582.1 and 30 more transcripts); c.661+1644C>T (NM_001408448.1, NM_001408445.1, NM_001408432.1 and 6 more transcripts); c.668-2068C>T (NM_001408421.1, NM_001408431.1, NM_001408424.1); c.784+1644C>T (NM_001407991.1, NM_001408407.1, NM_001408402.1 and 13 more transcripts); c.664+1644C>T (NM_001408427.1, NM_001408443.1, NM_001408439.1 and 12 more transcripts); and 41 more; short protein forms P515S, P643S, P683S, P684S, P699S, P700S, P722S, P723S.
Identifiers: ClinVar variation 3226115 (VCV003226115.3), dbSNP rs2154377871, ClinGen allele CA10597146.
Genomic context (GRCh38, chr17:43,093,100, plus strand): 5'-ACTTAAAGCCTTCTGTGTCATTTCTATTATCTTTGGAACAACCATGAATTAGTCCCTTGG[G>A]GTTTTCAAATGCTGCACACTGACTCACACATTTATTTGGTTCTGTTTTTGCCTTCCCTAG-3'
Protein context (NP_009225.1, residues 801-821): CVSQCAAFEN[Pro811Ser]KGLIHGCSKD